The following is an entry in ClinVar:

ClinVar aggregate classification (germline): Uncertain significance. Review status: criteria provided, multiple submitters, no conflicts (2 of 4 stars). 2 submissions from 2 submitters: Uncertain significance (2). Last evaluated 2024-08-05.

Conditions:
Inborn genetic diseases. Identifiers: MedGen C0950123, MeSH D030342.

Allele frequency attached by ClinVar (database versions not stated): ExAC 0.00010; gnomAD exomes 0.00012 and 0.00031; 1000 Genomes Project 30x 0.00016; 1000 Genomes Project 0.00020; ESP Exome Variant Server 0.00023; gnomAD 0.00023; TOPMed 0.00025.
gnomAD v4.1: 499 of 1,612,654 alleles (0.031%); highest among the groups gnomAD compares: Non-Finnish European, 0.039%; no homozygotes.

Submissions (2):

Labcorp Genetics (formerly Invitae), Labcorp
Classification: Uncertain significance. Last evaluated: 2024-08-05. Review status: criteria provided, single submitter. Criteria: Invitae Variant Classification Sherloc (09022015). Collection method: clinical testing. Allele origin: germline.
Comment: This sequence change replaces alanine, which is neutral and non-polar, with valine, which is neutral and non-polar, at codon 658 of the TELO2 protein (p.Ala658Val). This variant is present in population databases (rs147858841, gnomAD 0.02%). This variant has not been reported in the literature in individuals affected with TELO2-related conditions. ClinVar contains an entry for this variant (Variation ID: 985521). Advanced modeling of protein sequence and biophysical properties (such as structural, functional, and spatial information, amino acid conservation, physicochemical variation, residue mobility, and thermodynamic stability) performed at Invitae indicates that this missense variant is not expected to disrupt TELO2 protein function with a negative predictive value of 80%. In summary, the available evidence is currently insufficient to determine the role of this variant in disease. Therefore, it has been classified as a Variant of Uncertain Significance.

Ambry Genetics
Classification: Uncertain significance for Inborn genetic diseases. Last evaluated: 2022-12-21. Review status: criteria provided, single submitter. Criteria: Ambry Variant Classification Scheme 2023. Collection method: clinical testing. Allele origin: germline.

NM_016111.4(TELO2):c.1973C>T (p.Ala658Val)

Gene: TELO2 (telomere maintenance 2; plus strand). Cytogenetic location: 16p13.3.
Variant type: single nucleotide variant.
Coding change: c.1973C>T on transcript NM_016111.4 (MANE Select); coding-DNA position 1973, C replaced by T.
Protein change: p.Ala658Val; replaces alanine 658 with valine.
Molecular consequence: missense variant.
Genome position (GRCh38, 1-based): chr16:1,505,540, C>T. VCF-style: chr16-1505540-C-T. GRCh37 (hg19) VCF-style: chr16-1555541-C-T.
Other names: c.1973C>T, p.Ala658Val (NM_001351846.2); short protein forms A658V.
Identifiers: ClinVar variation 985521 (VCV000985521.7), dbSNP rs147858841, ClinGen allele CA7812410.